The following is an entry in ClinVar:

ClinVar aggregate classification (germline): Uncertain significance. Review status: criteria provided, multiple submitters, no conflicts (2 of 4 stars). 2 submissions from 2 submitters: Uncertain significance (2). Last evaluated 2025-05-03.

Conditions:
Inborn genetic diseases. Identifiers: MedGen C0950123, MeSH D030342.
Developmental delay with short stature, dysmorphic facial features, and sparse hair. Also called: Developmental delay with short stature, dysmorphic features, and sparse hair. Identifiers: Orphanet 459061, MedGen C4310801, MONDO:0031632.

Allele frequency attached by ClinVar (database versions not stated): gnomAD exomes below 0.00001; gnomAD 0.00005 and 0.00004; ExAC 0.00001; TOPMed 0.00006.
gnomAD v4.1: 12 of 1,613,912 alleles (0.00074%); highest among the groups gnomAD compares: African/African-American, 0.015%; no homozygotes.

Submissions (2):

Ambry Genetics
Classification: Uncertain significance for Inborn genetic diseases. Last evaluated: 2025-05-03. Review status: criteria provided, single submitter. Criteria: Ambry Variant Classification Scheme 2023. Collection method: clinical testing. Allele origin: germline.

Baylor Genetics
Classification: Uncertain significance for Developmental delay with short stature, dysmorphic facial features, and sparse hair 1. Last evaluated: 2018-12-07. Review status: criteria provided, single submitter. Criteria: ACMG Guidelines, 2015. Collection method: clinical testing. Allele origin: maternal. Affected: yes.
Comment: This variant was determined to be of uncertain significance according to ACMG Guidelines, 2015 [PMID:25741868].

NM_001383.6(DPH1):c.721A>T (p.Ile241Phe)

Gene: DPH1 (diphthamide biosynthesis 1; plus strand). Cytogenetic location: 17p13.3.
Variant type: single nucleotide variant.
Coding change: c.721A>T on transcript NM_001383.6 (MANE Select); coding-DNA position 721, A replaced by T.
Protein change: p.Ile241Phe; replaces isoleucine 241 with phenylalanine.
Molecular consequence: missense variant. On other transcripts: non-coding transcript variant (3).
Genome position (GRCh38, 1-based): chr17:2,039,795, A>T. VCF-style: chr17-2039795-A-T. GRCh37 (hg19) VCF-style: chr17-1943089-A-T.
Other names: c.736A>T, p.Ile246Phe (NM_001346574.1); c.703A>T, p.Ile235Phe (NM_001346575.1); c.316A>T, p.Ile106Phe (NM_001346576.2); short protein forms I241F, I106F, I235F, I246F.
Identifiers: ClinVar variation 1033422 (VCV001033422.2), dbSNP rs766728635, ClinGen allele CA8277100.